The following is an entry in ClinVar:

ClinVar aggregate classification (germline): Benign/Likely benign. Review status: criteria provided, multiple submitters, no conflicts (2 of 4 stars). 9 submissions from 9 submitters: Benign (2); Likely benign (7). Last evaluated 2026-02-02.

Conditions:
Inborn genetic diseases. Identifiers: MedGen C0950123, MeSH D030342.
Developmental and epileptic encephalopathy, 18 (DEE18). Also called: Early infantile epileptic encephalopathy 18. Identifiers: Orphanet 369894, MedGen C3809624, MONDO:0014201, OMIM 615476.

Allele frequency attached by ClinVar (database versions not stated): 1000 Genomes Project 30x 0.00047; 1000 Genomes Project 0.00060; gnomAD 0.00098 and 0.00107; ESP Exome Variant Server 0.00115; gnomAD exomes 0.00115 and 0.00154; TOPMed 0.00129; ExAC 0.00168.
gnomAD v4.1: 1,874 of 1,613,458 alleles (0.12%); highest among the groups gnomAD compares: Middle Eastern, 0.97%; 7 homozygotes.

Submissions (9):

Labcorp Genetics (formerly Invitae), Labcorp
Classification: Benign. Last evaluated: 2026-02-02. Review status: criteria provided, single submitter. Criteria: Invitae Variant Classification Sherloc (09022015). Collection method: clinical testing. Allele origin: germline.

CeGaT Center for Human Genetics Tuebingen
Classification: Likely benign. Last evaluated: 2026-02-01. Review status: criteria provided, single submitter. Criteria: CeGaT Center For Human Genetics Tuebingen Variant Classification Criteria Version 2. Collection method: clinical testing. Allele origin: germline. Affected: yes. Observed: 22 variant alleles.
Comment: SZT2: BP4, BP7

Blueprint Genetics
Classification: Likely benign. Last evaluated: 2024-11-25. Review status: criteria provided, single submitter. Criteria: ACMG Guidelines, 2015. Collection method: clinical testing. Allele origin: germline.

Genome-Nilou Lab
Classification: Likely benign for Developmental and epileptic encephalopathy, 18. Last evaluated: 2023-04-11. Review status: criteria provided, single submitter. Criteria: ACMG Guidelines, 2015. Collection method: clinical testing. Allele origin: germline. Affected: no.

Fulgent Genetics
Classification: Likely benign for Developmental and epileptic encephalopathy, 18. Last evaluated: 2021-12-15. Review status: criteria provided, single submitter. Criteria: ACMG Guidelines, 2015. Collection method: clinical testing. Allele origin: unknown.

GeneDx
Classification: Likely benign. Last evaluated: 2020-11-30. Review status: criteria provided, single submitter. Criteria: GeneDx Variant Classification Process June 2021. Collection method: clinical testing. Allele origin: germline. Affected: yes.

Athena Diagnostics
Classification: Benign. Last evaluated: 2018-10-25. Review status: criteria provided, single submitter. Criteria: Athena Diagnostics Criteria. Collection method: clinical testing. Allele origin: germline.

Ambry Genetics
Classification: Likely benign for Inborn genetic diseases. Last evaluated: 2016-06-21. Review status: criteria provided, single submitter. Criteria: Ambry Variant Classification Scheme 2023. Collection method: clinical testing. Allele origin: germline.

Breakthrough Genomics
Classification: Likely benign. Review status: criteria provided, single submitter. Criteria: ACMG Guidelines, 2015. Collection method: not provided. Allele origin: germline. Inheritance: Autosomal recessive inheritance. Affected: yes.

NM_001365999.1(SZT2):c.4983T>C (p.Asp1661=)

Gene: SZT2 (SZT2 subunit of KICSTOR complex; plus strand). Cytogenetic location: 1p34.2.
Variant type: single nucleotide variant.
Coding change: c.4983T>C on transcript NM_001365999.1 (MANE Select); coding-DNA position 4983, T replaced by C.
Protein change: p.Asp1661=; no amino-acid change (aspartic acid 1661 retained).
Molecular consequence: synonymous variant.
Genome position (GRCh38, 1-based): chr1:43,431,331, T>C. VCF-style: chr1-43431331-T-C. GRCh37 (hg19) VCF-style: chr1-43897002-T-C.
Other names: c.4812T>C, p.Asp1604= (NM_015284.4).
Identifiers: ClinVar variation 416955 (VCV000416955.61), dbSNP rs139810154, ClinGen allele CA809432.